The following is an entry in ClinVar:

ClinVar aggregate classification (germline): Uncertain significance (1 of 4 stars; one submission).

Conditions:
Giant axonal neuropathy 1 (GAN1). Also called: GAN-Related Neurodegeneration; GIANT AXONAL NEUROPATHY 1, AUTOSOMAL RECESSIVE. Identifiers: Orphanet 643, MedGen C1850386, MONDO:0009749, OMIM 256850.

Allele frequency attached by ClinVar (database versions not stated): TOPMed 0.00002.

Submission:

Labcorp Genetics (formerly Invitae), Labcorp
Classification: Uncertain significance for Giant axonal neuropathy 1. Last evaluated: 2020-10-15. Review status: criteria provided, single submitter. Criteria: Invitae Variant Classification Sherloc (09022015). Collection method: clinical testing. Allele origin: germline.
Comment: This sequence change replaces glycine with arginine at codon 38 of the GAN protein (p.Gly38Arg). The glycine residue is moderately conserved and there is a moderate physicochemical difference between glycine and arginine. This variant is not present in population databases (ExAC no frequency). This variant has not been reported in the literature in individuals with GAN-related disease. Algorithms developed to predict the effect of missense changes on protein structure and function do not agree on the potential impact of this missense change (SIFT: "Tolerated"; PolyPhen-2: "Probably Damaging"; Align-GVGD: "Class C0"). Algorithms developed to predict the effect of sequence changes on RNA splicing suggest that this variant may create or strengthen a splice site, but this prediction has not been confirmed by published transcriptional studies. In summary, the available evidence is currently insufficient to determine the role of this variant in disease. Therefore, it has been classified as a Variant of Uncertain Significance.

NM_022041.4(GAN):c.112G>A (p.Gly38Arg)

Genes: GAN (gigaxonin; plus strand), LOC130059498 (ATAC-STARR-seq lymphoblastoid silent region 7753; plus strand). Cytogenetic location: 16q23.2.
Variant type: single nucleotide variant.
Coding change: c.112G>A on transcript NM_022041.4 (MANE Select); coding-DNA position 112, G replaced by A.
Protein change: p.Gly38Arg; replaces glycine 38 with arginine.
Molecular consequence: missense variant. On other transcripts: 5 prime UTR variant (1).
Genome position (GRCh38, 1-based): chr16:81,315,225, G>A. VCF-style: chr16-81315225-G-A. GRCh37 (hg19) VCF-style: chr16-81348830-G-A.
Other names: c.-413G>A (NM_001377486.1); short protein forms G38R.
Identifiers: ClinVar variation 533929 (VCV000533929.9), dbSNP rs1252273429, ClinGen allele CA396854879.